The following is an entry in ClinVar:

NM_007294.4(BRCA1):c.2611C>G (p.Pro871Ala)

Gene: BRCA1 (BRCA1 DNA repair associated; minus strand). Cytogenetic location: 17q21.31.
Variant type: single nucleotide variant.
Coding change: c.2611C>G on transcript NM_007294.4 (MANE Select); coding-DNA position 2611, C replaced by G.
Protein change: p.Pro871Ala; replaces proline 871 with alanine.
Molecular consequence: missense variant. On other transcripts: intron variant (137).
Genome position (GRCh38, 1-based): chr17:43,092,920, G>C on the plus strand (C>G on the coding strand, the complement: BRCA1 is on the minus strand). VCF-style: chr17-43092920-G-C. GRCh37 (hg19) VCF-style: chr17-41244937-G-C.
Other names: c.2611C>G, p.Pro871Ala (NM_001407619.1, NM_001407620.1, NM_001407621.1 and 30 more transcripts); c.2608C>G, p.Pro870Ala (NM_001407627.1, NM_001407628.1, NM_001407638.1 and 22 more transcripts); c.2602C>G, p.Pro868Ala (NM_001407646.1, NM_001407647.1); c.2488C>G, p.Pro830Ala (NM_001407648.1, NM_001407664.1, NM_001407665.1 and 19 more transcripts); c.2530C>G, p.Pro844Ala (NM_001407660.1, NM_001407661.1, NM_001407662.1 and 1 more transcripts); c.2533C>G, p.Pro845Ala (NM_001407663.1, NM_001407653.1, NM_001407654.1 and 4 more transcripts); c.2485C>G, p.Pro829Ala (NM_001407685.1, NM_001407686.1, NM_001407687.1 and 11 more transcripts); c.2470C>G, p.Pro824Ala (NM_001407724.1, NM_001407725.1, NM_001407726.1 and 29 more transcripts); and 41 more; short protein forms P575A, P800A, P803A, P824A, P829A, P830A, P868A, P743A.
Identifiers: ClinVar variation 3992609 (VCV003992609.1).

ClinVar aggregate classification (germline): Uncertain significance (1 of 4 stars; one submission).

Conditions:
Hereditary cancer-predisposing syndrome. Also called: Tumor predisposition; Hereditary neoplastic syndrome; Neoplastic Syndromes, Hereditary; Hereditary Cancer Syndrome. Identifiers: Orphanet 140162, MedGen C0027672, MeSH D009386, MONDO:0015356.

Submission:

Ambry Genetics
Classification: Uncertain significance for Hereditary cancer-predisposing syndrome. Last evaluated: 2025-05-01. Review status: criteria provided, single submitter. Criteria: Ambry Variant Classification Scheme 2023. Collection method: clinical testing. Allele origin: germline.
Comment: The p.P871A variant (also known as c.2611C>G), located in coding exon 9 of the BRCA1 gene, results from a C to G substitution at nucleotide position 2611. The proline at codon 871 is replaced by alanine, an amino acid with highly similar properties. This amino acid position is poorly conserved in available vertebrate species. In addition, this alteration is predicted to be tolerated by in silico analysis. Based on the available evidence, the clinical significance of this variant remains unclear.